The following is an entry in ClinVar:

NM_000257.4(MYH7):c.2091T>C (p.Gly697=)

Gene: MYH7 (myosin heavy chain 7; minus strand). Cytogenetic location: 14q11.2.
Variant type: single nucleotide variant.
Coding change: c.2091T>C on transcript NM_000257.4 (MANE Select); coding-DNA position 2091, T replaced by C.
Protein change: p.Gly697=; no amino-acid change (glycine 697 retained).
Molecular consequence: synonymous variant.
Genome position (GRCh38, 1-based): chr14:23,426,035, A>G on the plus strand (T>C on the coding strand, the complement: MYH7 is on the minus strand). VCF-style: chr14-23426035-A-G. GRCh37 (hg19) VCF-style: chr14-23895244-A-G.
Identifiers: ClinVar variation 177756 (VCV000177756.23), dbSNP rs140380523, ClinGen allele CA011665.
Genomic context (GRCh38, chr14:23,426,035, plus strand): 5'-GTCCCCGTAGAGGATGCGGTTGGGGAAGCCTTTCCTGCAGATGCGGATGCCCTCCAGCAC[A>G]CCATTGCAGCGCAGCTGGTGCATGACCAGGGGGTTGTCCATCACCCCTGTGGCAAGAAGG-3'
Protein context (NP_000248.2, residues 687-707): PLVMHQLRCN[Gly697=]VLEGIRICRK

ClinVar aggregate classification (germline): Benign/Likely benign. Review status: criteria provided, multiple submitters, no conflicts (2 of 4 stars). 7 submissions from 7 submitters: Benign (1); Likely benign (6). Last evaluated 2025-11-27.

Conditions:
Cardiovascular phenotype. Identifiers: MedGen CN230736.
Cardiomyopathy (CMYO). Also called: Cardiomyopathies. Identifiers: Orphanet 167848, MedGen C0878544, MONDO:0004994, HP:0001638. Inheritance: Various modes of inheritance.
Hypertrophic cardiomyopathy. Also called: HYPERTROPHIC MYOCARDIOPATHY. Identifiers: Orphanet 217569, MedGen C0007194, MeSH D002312, MONDO:0005045, HP:0001639.

Allele frequency attached by ClinVar (database versions not stated): gnomAD exomes 0.00005 and 0.00010; TOPMed 0.00005; gnomAD 0.00009; ExAC 0.00012; ESP Exome Variant Server 0.00015.
gnomAD v4.1: 82 of 1,614,214 alleles (0.0051%); highest among the groups gnomAD compares: South Asian, 0.034%; 1 homozygote.

Submissions (7):

Labcorp Genetics (formerly Invitae), Labcorp
Classification: Likely benign for Hypertrophic cardiomyopathy. Last evaluated: 2025-11-27. Review status: criteria provided, single submitter. Criteria: Invitae Variant Classification Sherloc (09022015). Collection method: clinical testing. Allele origin: germline.

All of Us Research Program, National Institutes of Health
Classification: Likely benign for Cardiomyopathy. Last evaluated: 2024-02-05. Review status: criteria provided, single submitter. Criteria: ACMG Guidelines, 2015. Collection method: clinical testing. Allele origin: germline. Inheritance: Autosomal dominant inheritance. Observed: 14 variant alleles, 14 heterozygotes.
Comment: This study involves interpretation of variants in research participants for the purpose of population health screening. Participant phenotype was not available at the time of variant classification. Additional details can be found in publication PMID: 35346344, PMCID: PMC8962531

CHEO Genetics Diagnostic Laboratory, Children's Hospital of Eastern Ontario
Classification: Likely benign for Cardiomyopathy. Last evaluated: 2019-12-24. Review status: criteria provided, single submitter. Criteria: ACMG Guidelines, 2015. Collection method: clinical testing. Allele origin: germline.

Color Diagnostics, LLC DBA Color Health
Classification: Likely benign for Cardiomyopathy. Last evaluated: 2018-12-21. Review status: criteria provided, single submitter. Criteria: ACMG Guidelines, 2015. Collection method: clinical testing. Allele origin: germline.

Ambry Genetics
Classification: Likely benign for Cardiovascular phenotype. Last evaluated: 2015-09-10. Review status: criteria provided, single submitter. Criteria: Ambry Variant Classification Scheme 2023. Collection method: clinical testing. Allele origin: germline.

GeneDx
Classification: Benign. Last evaluated: 2015-06-02. Review status: criteria provided, single submitter. Criteria: GeneDx Variant Classification (06012015). Collection method: clinical testing. Allele origin: germline. Affected: yes.
Comment: This variant is considered likely benign or benign based on one or more of the following criteria: it is a conservative change, it occurs at a poorly conserved position in the protein, it is predicted to be benign by multiple in silico algorithms, and/or has population frequency not consistent with disease.

Laboratory for Molecular Medicine, Mass General Brigham Personalized Medicine
Classification: Likely benign. Last evaluated: 2008-03-01. Review status: criteria provided, single submitter. Criteria: LMM Criteria. Collection method: clinical testing. Allele origin: germline. Observed: 1 variant allele.
Comment: proposed classification - variant undergoing re-assessment, contact laboratory